The following is an entry in ClinVar:

NM_007259.5(VPS45):c.194A>G (p.His65Arg)

Gene: VPS45 (vacuolar protein sorting 45 homolog; plus strand). Cytogenetic location: 1q21.2.
Variant type: single nucleotide variant.
Coding change: c.194A>G on transcript NM_007259.5 (MANE Select); coding-DNA position 194, A replaced by G.
Protein change: p.His65Arg; replaces histidine 65 with arginine.
Molecular consequence: missense variant. On other transcripts: non-coding transcript variant (1).
Genome position (GRCh38, 1-based): chr1:150,068,730, A>G. VCF-style: chr1-150068730-A-G. GRCh37 (hg19) VCF-style: chr1-150040787-A-G.
Other names: c.86A>G, p.His29Arg (NM_001279353.2, NM_001279354.2); short protein forms H29R, H65R.
Identifiers: ClinVar variation 1988459 (VCV001988459.4), dbSNP rs2526031766, ClinGen allele CA342258856.
Genomic context (GRCh38, chr1:150,068,730, plus strand): 5'-TACAGAAGGAAGTGTACCTCTTTGAACGCATTGATTCTCAAAATCGAGAGATCATGAAAC[A>G]CCTGAAGGCAATTTGTTTTCTTCGACCTACAAAGGTACTGCATAAACTGAGCTTCCATCT-3'
Protein context (NP_009190.2, residues 55-75): IDSQNREIMK[His65Arg]LKAICFLRPT

ClinVar aggregate classification (germline): Uncertain significance (1 of 4 stars; one submission).

Conditions:
Congenital neutropenia-myelofibrosis-nephromegaly syndrome. Also called: Severe congenital neutropenia 5, autosomal recessive. Identifiers: Orphanet 369852, MedGen C3809031, MONDO:0014118, OMIM 615285.

Submission:

Labcorp Genetics (formerly Invitae), Labcorp
Classification: Uncertain significance for Congenital neutropenia-myelofibrosis-nephromegaly syndrome. Last evaluated: 2022-05-04. Review status: criteria provided, single submitter. Criteria: Invitae Variant Classification Sherloc (09022015). Collection method: clinical testing. Allele origin: germline.
Comment: In summary, the available evidence is currently insufficient to determine the role of this variant in disease. Therefore, it has been classified as a Variant of Uncertain Significance. Algorithms developed to predict the effect of missense changes on protein structure and function are either unavailable or do not agree on the potential impact of this missense change (SIFT: "Deleterious"; PolyPhen-2: "Probably Damaging"; Align-GVGD: "Class C0"). This variant has not been reported in the literature in individuals affected with VPS45-related conditions. This variant is not present in population databases (gnomAD no frequency). This sequence change replaces histidine, which is basic and polar, with arginine, which is basic and polar, at codon 65 of the VPS45 protein (p.His65Arg).